The following is an entry in ClinVar:

ClinVar aggregate classification (germline): Uncertain significance. Review status: criteria provided, multiple submitters, no conflicts (2 of 4 stars). 3 submissions from 3 submitters: Uncertain significance (3). Last evaluated 2025-11-10.

Conditions:
Hereditary cancer-predisposing syndrome. Also called: Tumor predisposition; Hereditary neoplastic syndrome; Neoplastic Syndromes, Hereditary; Hereditary Cancer Syndrome. Identifiers: Orphanet 140162, MedGen C0027672, MeSH D009386, MONDO:0015356.
Gastrointestinal stromal tumor. Also called: Gastrointestinal stroma tumor; Gastrointestinal stromal tumor, somatic. Identifiers: Orphanet 44890, MedGen C0238198, MeSH D046152, MONDO:0011719, OMIM 606764, HP:0100723.

Allele frequency attached by ClinVar (database versions not stated): gnomAD exomes below 0.00001.
gnomAD v4.1: 5 of 1,614,166 alleles (0.00031%); highest among the groups gnomAD compares: Non-Finnish European, 0.00042%; no homozygotes.

Submissions (3):

Labcorp Genetics (formerly Invitae), Labcorp
Classification: Uncertain significance for Gastrointestinal stromal tumor. Last evaluated: 2025-11-10. Review status: criteria provided, single submitter. Criteria: Invitae Variant Classification Sherloc (09022015). Collection method: clinical testing. Allele origin: germline.
Comment: This sequence change replaces histidine, which is basic and polar, with proline, which is neutral and non-polar, at codon 485 of the KIT protein (p.His485Pro). This variant is not present in population databases (gnomAD no frequency). This variant has not been reported in the literature in individuals affected with KIT-related conditions. ClinVar contains an entry for this variant (Variation ID: 458873). An algorithm developed to predict the effect of missense changes on protein structure and function (PolyPhen-2) suggests that this variant is likely to be tolerated. In summary, the available evidence is currently insufficient to determine the role of this variant in disease. Therefore, it has been classified as a Variant of Uncertain Significance.

GeneDx
Classification: Uncertain significance. Last evaluated: 2025-01-23. Review status: criteria provided, single submitter. Criteria: GeneDx Variant Classification Process June 2021. Collection method: clinical testing. Allele origin: germline. Affected: yes.
Comment: Not observed at significant frequency in large population cohorts (gnomAD); In silico analysis supports that this missense variant has a deleterious effect on protein structure/function; Has not been previously published as pathogenic or benign to our knowledge; This variant is associated with the following publications: (PMID: 33461003)

Ambry Genetics
Classification: Uncertain significance for Hereditary cancer-predisposing syndrome. Last evaluated: 2023-11-23. Review status: criteria provided, single submitter. Criteria: Ambry Variant Classification Scheme 2023. Collection method: clinical testing. Allele origin: germline.
Comment: The p.H485P variant (also known as c.1454A>C), located in coding exon 9 of the KIT gene, results from an A to C substitution at nucleotide position 1454. The histidine at codon 485 is replaced by proline, an amino acid with similar properties. This amino acid position is conserved. In addition, this alteration is predicted to be tolerated by in silico analysis. Since supporting evidence is limited at this time, the clinical significance of this alteration remains unclear.

NM_000222.3(KIT):c.1454A>C (p.His485Pro)

Gene: KIT (KIT proto-oncogene, receptor tyrosine kinase; plus strand). Cytogenetic location: 4q12.
Variant type: single nucleotide variant.
Coding change: c.1454A>C on transcript NM_000222.3 (MANE Select); coding-DNA position 1454, A replaced by C.
Protein change: p.His485Pro; replaces histidine 485 with proline.
Molecular consequence: missense variant.
Genome position (GRCh38, 1-based): chr4:54,725,964, A>C. VCF-style: chr4-54725964-A-C. GRCh37 (hg19) VCF-style: chr4-55592130-A-C.
Other names: c.1454A>C, p.His485Pro (NM_001093772.2, NM_001385285.1, NM_001385286.1); c.1457A>C, p.His486Pro (NM_001385284.1, NM_001385288.1, NM_001385290.1 and 1 more transcripts); short protein forms H485P, H486P.
Identifiers: ClinVar variation 458873 (VCV000458873.12), dbSNP rs1553891439, ClinGen allele CA356906432.